The following is an entry in ClinVar:

NM_024685.4(BBS10):c.1601C>T (p.Thr534Ile)

Gene: BBS10 (Bardet-Biedl syndrome 10; minus strand). Cytogenetic location: 12q21.2.
Variant type: single nucleotide variant.
Coding change: c.1601C>T on transcript NM_024685.4 (MANE Select); coding-DNA position 1601, C replaced by T.
Protein change: p.Thr534Ile; replaces threonine 534 with isoleucine.
Molecular consequence: missense variant.
Genome position (GRCh38, 1-based): chr12:76,346,384, G>A on the plus strand (C>T on the coding strand, the complement: BBS10 is on the minus strand). VCF-style: chr12-76346384-G-A. GRCh37 (hg19) VCF-style: chr12-76740164-G-A.
Other names: short protein forms T534I.
Identifiers: ClinVar variation 3355057 (VCV003355057.2).
Genomic context (GRCh38, chr12:76,346,384, plus strand): 5'-CTATTTCCCCTTGTTGAATAAGCAGTGGAATTGTTCTTGAGTAATGGTTCATAATAATCA[G>A]TTAGCCTGTTTCTTTCCAAAGACAAACATGTCAGCGTTTCAACTGTTTGGAATGTATCTG-3'
Protein context (NP_078961.3, residues 524-544): TCLSLERNRL[Thr534Ile]DYYEPLLKNN

ClinVar aggregate classification (germline): Uncertain significance (1 of 4 stars; one submission).

Conditions:
BBS10-related disorder. Also called: BBS10-related condition.

gnomAD v4.1: 3 of 1,613,900 alleles (0.00019%); highest among the groups gnomAD compares: Non-Finnish European, 0.00025%; no homozygotes.

Submission:

PreventionGenetics, part of Exact Sciences
Classification: Uncertain significance for BBS10-related condition. Last evaluated: 2025-11-11. Review status: criteria provided, single submitter. Criteria: ACMG Guidelines, 2015. Collection method: clinical testing. Allele origin: germline.
Comment: The BBS10 c.1601C>T variant is predicted to result in the amino acid substitution p.Thr534Ile. To our knowledge, this variant has not been reported in the literature or in a large population database (gnomAD), indicating this variant is rare. At this time, the clinical significance of this variant is uncertain due to the absence of conclusive functional and genetic evidence.